The following is an entry in ClinVar:

NM_198503.5(KCNT2):c.738G>A (p.Gly246=)

Gene: KCNT2 (potassium sodium-activated channel subfamily T member 2; minus strand). Cytogenetic location: 1q31.3.
Variant type: single nucleotide variant.
Coding change: c.738G>A on transcript NM_198503.5 (MANE Select); coding-DNA position 738, G replaced by A.
Protein change: p.Gly246=; no amino-acid change (glycine 246 retained).
Molecular consequence: synonymous variant. On other transcripts: non-coding transcript variant (2).
Genome position (GRCh38, 1-based): chr1:196,429,658, C>T on the plus strand (G>A on the coding strand, the complement: KCNT2 is on the minus strand). VCF-style: chr1-196429658-C-T. GRCh37 (hg19) VCF-style: chr1-196398788-C-T.
Other names: c.738G>A, p.Gly246= (NM_001287819.3, NM_001287820.3).
Identifiers: ClinVar variation 4533626 (VCV004533626.6).
Genomic context (GRCh38, chr1:196,429,658, plus strand): 5'-AGCAACACAAATCATAGCAACTACAAAAAGCTTGGAGGACCATGTTTCAGGAGTGACATC[C>T]CCGAAGCCCACAGTAGAAAACGTCACAATGCAGAAATAAAGGGAGTCAAAGAGATTCAGC-3'
Protein context (NP_940905.2, residues 236-256): CIVTFSTVGF[Gly246=]DVTPETWSSK

ClinVar aggregate classification (germline): Likely benign (1 of 4 stars; one submission).

gnomAD v4.1: 9 of 1,612,518 alleles (0.00056%); highest among the groups gnomAD compares: Non-Finnish European, 0.00076%; no homozygotes.

Submission:

CeGaT Center for Human Genetics Tuebingen
Classification: Likely benign. Last evaluated: 2025-10-01. Review status: criteria provided, single submitter. Criteria: CeGaT Center For Human Genetics Tuebingen Variant Classification Criteria Version 2. Collection method: clinical testing. Allele origin: germline. Affected: yes. Observed: 1 variant allele.
Comment: KCNT2: BP4, BP7